The following is an entry in ClinVar:

NM_000535.7(PMS2):c.1373C>A (p.Thr458Asn)

Gene: PMS2 (PMS1 homolog 2, mismatch repair system component; minus strand). Cytogenetic location: 7p22.1.
Variant type: single nucleotide variant.
Coding change: c.1373C>A on transcript NM_000535.7 (MANE Select); coding-DNA position 1373, C replaced by A.
Protein change: p.Thr458Asn; replaces threonine 458 with asparagine.
Molecular consequence: missense variant. On other transcripts: non-coding transcript variant (1).
Genome position (GRCh38, 1-based): chr7:5,987,392, G>T on the plus strand (C>A on the coding strand, the complement: PMS2 is on the minus strand). VCF-style: chr7-5987392-G-T. GRCh37 (hg19) VCF-style: chr7-6027023-G-T.
Other names: c.968C>A, p.Thr323Asn (NM_001322003.2, NM_001322004.2, NM_001322005.2 and 1 more transcripts); c.1217C>A, p.Thr406Asn (NM_001322006.2); c.1055C>A, p.Thr352Asn (NM_001322007.2, NM_001322008.2); c.812C>A, p.Thr271Asn (NM_001322010.2); c.440C>A, p.Thr147Asn (NM_001322011.2, NM_001322012.2); c.800C>A, p.Thr267Asn (NM_001322013.2); c.1373C>A, p.Thr458Asn (NM_001322014.2); c.1064C>A, p.Thr355Asn (NM_001322015.2); short protein forms T458N, T147N, T323N, T271N, T352N, T267N, T355N, T406N.
Identifiers: ClinVar variation 492252 (VCV000492252.15), dbSNP rs755348833, ClinGen allele CA366742205.

ClinVar aggregate classification (germline): Conflicting classifications of pathogenicity. Review status: criteria provided, conflicting classifications (1 of 4 stars). 4 submissions from 4 submitters: Uncertain significance (3); Likely benign (1). Last evaluated 2026-01-01.

Conditions:
Hereditary nonpolyposis colorectal neoplasms. Identifiers: MedGen C0009405, MeSH D003123.
Hereditary cancer-predisposing syndrome. Also called: Tumor predisposition; Hereditary Cancer Syndrome; Neoplastic Syndromes, Hereditary; Hereditary neoplastic syndrome. Identifiers: Orphanet 140162, MedGen C0027672, MeSH D009386, MONDO:0015356.

Submissions (4):

Labcorp Genetics (formerly Invitae), Labcorp
Classification: Uncertain significance for Hereditary nonpolyposis colorectal neoplasms. Last evaluated: 2026-01-01. Review status: criteria provided, single submitter. Criteria: Invitae Variant Classification Sherloc (09022015). Collection method: clinical testing. Allele origin: germline.
Comment: This sequence change replaces threonine, which is neutral and polar, with asparagine, which is neutral and polar, at codon 458 of the PMS2 protein (p.Thr458Asn). This variant is not present in population databases (gnomAD no frequency). This variant has not been reported in the literature in individuals affected with PMS2-related conditions. ClinVar contains an entry for this variant (Variation ID: 492252). Invitae Evidence Modeling incorporating data from in vitro experimental studies (internal data) indicates that this missense variant is not expected to disrupt PMS2 function with a negative predictive value of 95%. In summary, the available evidence is currently insufficient to determine the role of this variant in disease. Therefore, it has been classified as a Variant of Uncertain Significance.

Ambry Genetics
Classification: Likely benign for Hereditary cancer-predisposing syndrome. Last evaluated: 2024-12-17. Review status: criteria provided, single submitter. Criteria: Ambry Variant Classification Scheme 2023. Collection method: clinical testing. Allele origin: germline.

Color Diagnostics, LLC DBA Color Health
Classification: Uncertain significance for Hereditary cancer-predisposing syndrome. Last evaluated: 2023-12-05. Review status: criteria provided, single submitter. Criteria: ACMG Guidelines, 2015. Collection method: clinical testing. Allele origin: germline.
Comment: This missense variant replaces threonine with asparagine at codon 458 of the PMS2 protein. Computational prediction suggests that this variant may not impact protein structure and function (internally defined REVEL score threshold <= 0.5, PMID: 27666373). To our knowledge, functional studies have not been reported for this variant. This variant has not been reported in individuals affected with PMS2-related disorders in the literature. This variant has not been identified in the general population by the Genome Aggregation Database (gnomAD). The available evidence is insufficient to determine the role of this variant in disease conclusively. Therefore, this variant is classified as a Variant of Uncertain Significance.

Blueprint Genetics
Classification: Uncertain significance. Last evaluated: 2019-04-03. Review status: criteria provided, single submitter. Criteria: ACMG Guidelines, 2015. Collection method: clinical testing. Allele origin: germline.